The following is an entry in ClinVar:

NM_001614.5(ACTG1):c.898T>G (p.Ser300Ala)

Gene: ACTG1 (actin gamma 1; minus strand). Cytogenetic location: 17q25.3.
Variant type: single nucleotide variant.
Coding change: c.898T>G on transcript NM_001614.5 (MANE Select); coding-DNA position 898, T replaced by G.
Protein change: p.Ser300Ala; replaces serine 300 with alanine.
Molecular consequence: missense variant. On other transcripts: non-coding transcript variant (1).
Genome position (GRCh38, 1-based): chr17:81,511,013, A>C on the plus strand (T>G on the coding strand, the complement: ACTG1 is on the minus strand). VCF-style: chr17-81511013-A-C. GRCh37 (hg19) VCF-style: chr17-79478039-A-C.
Other names: c.898T>G, p.Ser300Ala (NM_001199954.3); short protein forms S300A.
Identifiers: ClinVar variation 2003319 (VCV002003319.4), dbSNP rs2544387210, ClinGen allele CA401459117.
Genomic context (GRCh38, chr17:81,511,013, plus strand): 5'-GGGCGGTGATCTCCTTCTGCATCCTGTCGGCAATGCCCGGGTACATGGTGGTGCCGCCCG[A>C]CAGCACCGTGTTGGCGTACAGGTCTTTGCGGATGTCCACGTCACACTTCATGATGGAGTT-3'
Protein context (NP_001605.1, residues 290-310): RKDLYANTVL[Ser300Ala]GGTTMYPGIA

ClinVar aggregate classification (germline): Uncertain significance (1 of 4 stars; one submission).

Conditions:
Autosomal dominant nonsyndromic hearing loss 20. Identifiers: Orphanet 90635, MedGen C1858172, MONDO:0011480, OMIM 604717.
Baraitser-winter syndrome 2. Identifiers: Orphanet 2995, MedGen C3281235, MONDO:0013812, OMIM 614583.

Submission:

Labcorp Genetics (formerly Invitae), Labcorp
Classification: Uncertain significance for Baraitser-winter syndrome 2; Autosomal dominant nonsyndromic hearing loss 20. Last evaluated: 2023-07-17. Review status: criteria provided, single submitter. Criteria: Invitae Variant Classification Sherloc (09022015). Collection method: clinical testing. Allele origin: germline.
Comment: In summary, the available evidence is currently insufficient to determine the role of this variant in disease. Therefore, it has been classified as a Variant of Uncertain Significance. Advanced modeling of protein sequence and biophysical properties (such as structural, functional, and spatial information, amino acid conservation, physicochemical variation, residue mobility, and thermodynamic stability) performed at Invitae indicates that this missense variant is not expected to disrupt ACTG1 protein function. ClinVar contains an entry for this variant (Variation ID: 2003319). This missense change has been observed in individual(s) with features of ACTG1-related conditions (Invitae). This variant is not present in population databases (gnomAD no frequency). This sequence change replaces serine, which is neutral and polar, with alanine, which is neutral and non-polar, at codon 300 of the ACTG1 protein (p.Ser300Ala).